The following is an entry in ClinVar:

ClinVar aggregate classification (germline): Uncertain significance (1 of 4 stars; one submission).

Conditions:
Autosomal dominant nocturnal frontal lobe epilepsy 5. Also called: KCNT1-Related Epilepsy; CILIARY DYSKINESIA, PRIMARY, 28, WITHOUT SITUS INVERSUS; CILIARY DYSKINESIA, PRIMARY, 28, WITH SITUS INVERSUS; Epilepsy, nocturnal frontal lobe, 5. Identifiers: Orphanet 98784, MedGen C3554306, MONDO:0014002, OMIM 615005.
Developmental and epileptic encephalopathy, 14 (DEE14). Also called: Early infantile epileptic encephalopathy 14. Identifiers: Orphanet 293181, MedGen C3554195, MONDO:0013989, OMIM 614959.

Allele frequency attached by ClinVar (database versions not stated): gnomAD exomes below 0.00001; TOPMed 0.00002; ESP Exome Variant Server 0.00008.

Submission:

Labcorp Genetics (formerly Invitae), Labcorp
Classification: Uncertain significance for Autosomal dominant nocturnal frontal lobe epilepsy 5; Developmental and epileptic encephalopathy, 14. Last evaluated: 2023-12-27. Review status: criteria provided, single submitter. Criteria: Invitae Variant Classification Sherloc (09022015). Collection method: clinical testing. Allele origin: germline.
Comment: This sequence change replaces asparagine, which is neutral and polar, with lysine, which is basic and polar, at codon 1175 of the KCNT1 protein (p.Asn1175Lys). This variant is not present in population databases (gnomAD no frequency). This variant has not been reported in the literature in individuals affected with KCNT1-related conditions. ClinVar contains an entry for this variant (Variation ID: 1047278). Advanced modeling of protein sequence and biophysical properties (such as structural, functional, and spatial information, amino acid conservation, physicochemical variation, residue mobility, and thermodynamic stability) performed at Invitae indicates that this missense variant is not expected to disrupt KCNT1 protein function with a negative predictive value of 80%. In summary, the available evidence is currently insufficient to determine the role of this variant in disease. Therefore, it has been classified as a Variant of Uncertain Significance.

NM_020822.3(KCNT1):c.3525C>G (p.Asn1175Lys)

Gene: KCNT1 (potassium sodium-activated channel subfamily T member 1; plus strand). Cytogenetic location: 9q34.3.
Variant type: single nucleotide variant.
Coding change: c.3525C>G on transcript NM_020822.3 (MANE Select); coding-DNA position 3525, C replaced by G.
Protein change: p.Asn1175Lys; replaces asparagine 1175 with lysine.
Molecular consequence: missense variant.
Genome position (GRCh38, 1-based): chr9:135,791,819, C>G. VCF-style: chr9-135791819-C-G. GRCh37 (hg19) VCF-style: chr9-138683665-C-G.
Other names: c.3453C>G, p.Asn1151Lys (NM_001272003.2); short protein forms N1175K, N1151K.
Identifiers: ClinVar variation 1047278 (VCV001047278.12), dbSNP rs139454881, ClinGen allele CA201431374.